The following is an entry in ClinVar:

NM_022124.6(CDH23):c.6829+3A>G

Gene: CDH23 (cadherin related 23; plus strand). Cytogenetic location: 10q22.1.
Variant type: single nucleotide variant.
Coding change: c.6829+3A>G on transcript NM_022124.6 (MANE Select); 3 bases into the intron after coding-DNA position 6829, A replaced by G.
Molecular consequence: intron variant.
Genome position (GRCh38, 1-based): chr10:71,797,223, A>G. VCF-style: chr10-71797223-A-G. GRCh37 (hg19) VCF-style: chr10-73556980-A-G.
Other names: c.109+3A>G (NM_001171933.1, NM_001171934.1).
Identifiers: ClinVar variation 505846 (VCV000505846.12), dbSNP rs780258798, ClinGen allele CA5546193.
Genomic context (GRCh38, chr10:71,797,223, plus strand): 5'-CTCTCAGTGATTGACAATGCCAGCGACCTACCAGAGCGCTCTGTCAGTGTGCCAAATGGT[A>G]AGGTTCCCTGCAGACATCTCTCATTGGTCACTCAGAGCCAATCAGGGCAGGGGGCAGGTG-3'

ClinVar aggregate classification (germline): Conflicting classifications of pathogenicity. Review status: criteria provided, conflicting classifications (1 of 4 stars). 6 submissions from 6 submitters: Uncertain significance (4); Likely benign (1). 1 of the submissions does not count toward it. Last evaluated 2025-04-14.

Conditions:
CDH23-related disorder. Also called: CDH23-related condition; CDH23-related disorders.
Pituitary adenoma 5, multiple types. Identifiers: MedGen C4539685, MONDO:0054601, OMIM 617540.
Autosomal recessive nonsyndromic hearing loss 12. Also called: DEAFNESS, AUTOSOMAL RECESSIVE 12. Identifiers: Orphanet 90636, MedGen C1832394, MONDO:0011067, OMIM 601386.
Usher syndrome type 1D (USH1D). Also called: USHER SYNDROME, TYPE ID. Identifiers: Orphanet 231169, Orphanet 886, MedGen C1832845, MONDO:0010984, OMIM 601067.
Usher syndrome type 1 (USH1). Also called: RETINITIS PIGMENTOSA AND CONGENITAL DEAFNESS. Identifiers: Orphanet 231169, Orphanet 886, MedGen C1568247, MONDO:0010168, OMIM 276900.

Allele frequency attached by ClinVar (database versions not stated): gnomAD exomes 0.00001 and 0.00005; TOPMed 0.00003; ExAC 0.00001; gnomAD 0.00001.
gnomAD v4.1: 17 of 1,600,450 alleles (0.0011%); highest among the groups gnomAD compares: Admixed American, 0.029%; no homozygotes.

Submissions (6):

PreventionGenetics, part of Exact Sciences
Classification: Likely benign for CDH23-related condition. Last evaluated: 2025-04-14. Review status: criteria provided, single submitter. Criteria: ACMG Guidelines, 2015. Collection method: clinical testing. Allele origin: germline.
Comment: This variant is classified as likely benign based on ACMG/AMP sequence variant interpretation guidelines (Richards et al. 2015 PMID: 25741868, with internal and published modifications).

Women's Health and Genetics/Laboratory Corporation of America, LabCorp
Classification: Uncertain significance. Last evaluated: 2024-06-24. Review status: criteria provided, single submitter. Criteria: LabCorp Variant Classification Summary - May 2015. Collection method: clinical testing. Allele origin: germline.

Labcorp Genetics (formerly Invitae), Labcorp
Classification: Uncertain significance. Last evaluated: 2022-07-05. Review status: criteria provided, single submitter. Criteria: Invitae Variant Classification Sherloc (09022015). Collection method: clinical testing. Allele origin: germline.
Comment: This sequence change falls in intron 49 of the CDH23 gene. It does not directly change the encoded amino acid sequence of the CDH23 protein. It affects a nucleotide within the consensus splice site. This variant is present in population databases (rs780258798, gnomAD 0.04%). This variant has not been reported in the literature in individuals affected with CDH23-related conditions. ClinVar contains an entry for this variant (Variation ID: 505846). Variants that disrupt the consensus splice site are a relatively common cause of aberrant splicing (PMID: 17576681, 9536098). Algorithms developed to predict the effect of sequence changes on RNA splicing suggest that this variant is not likely to affect RNA splicing. In summary, the available evidence is currently insufficient to determine the role of this variant in disease. Therefore, it has been classified as a Variant of Uncertain Significance.

Fulgent Genetics
Classification: Uncertain significance for Usher syndrome type 1D; Autosomal recessive nonsyndromic hearing loss 12; Pituitary adenoma 5, multiple types. Last evaluated: 2021-08-19. Review status: criteria provided, single submitter. Criteria: ACMG Guidelines, 2015. Collection method: clinical testing. Allele origin: unknown.

Laboratory for Molecular Medicine, Mass General Brigham Personalized Medicine
Classification: Uncertain significance. Last evaluated: 2017-05-25. Review status: criteria provided, single submitter. Criteria: LMM Criteria. Collection method: clinical testing. Allele origin: germline. Observed: 1 variant allele.
Comment: The c.6829+3A>G variant in CDH23 has not been previously reported in individuals with hearing loss or Usher syndrome, but has been identified in 14/32810 chromo somes by the Genome Aggregation Database (gnomAD, rg/; dbSNP rs780258798). Although this variant has been seen in the general popu lation, its frequency is not high enough to rule out a pathogenic role. This var iant is located in the 5' splice region. Computational tools do not suggest an i mpact to splicing. However, this information is not predictive enough to rule ou t pathogenicity. In summary, the clinical significance of the c.6829+3A>G varian t is uncertain.

Natera, Inc.
Classification: Uncertain significance for Usher syndrome type 1. Last evaluated: 2019-10-28. Review status: no assertion criteria provided. Collection method: clinical testing. Allele origin: germline. Not counted in ClinVar's aggregate classification.

Literature cited by the submitters: PubMed 17576681 (cited by Labcorp Genetics (formerly Invitae), Labcorp); PubMed 9536098 (cited by Labcorp Genetics (formerly Invitae), Labcorp).